The following is an entry in ClinVar:

NM_000455.5(STK11):c.1098C>T (p.Phe366=)

Genes: STK11 (serine/threonine kinase 11; plus strand), LOC130062899 (ATAC-STARR-seq lymphoblastoid active region 13597; plus strand). Cytogenetic location: 19p13.3.
Variant type: single nucleotide variant.
Coding change: c.1098C>T on transcript NM_000455.5 (MANE Select); coding-DNA position 1098, C replaced by T.
Protein change: p.Phe366=; no amino-acid change (phenylalanine 366 retained).
Molecular consequence: synonymous variant.
Genome position (GRCh38, 1-based): chr19:1,223,162, C>T. VCF-style: chr19-1223162-C-T. GRCh37 (hg19) VCF-style: chr19-1223161-C-T.
Identifiers: ClinVar variation 1129570 (VCV001129570.10), dbSNP rs2080798043, ClinGen allele CA504707802.

ClinVar aggregate classification (germline): Benign/Likely benign. Review status: criteria provided, multiple submitters, no conflicts (2 of 4 stars). 2 submissions from 2 submitters: Benign (1); Likely benign (1). Last evaluated 2025-03-28.

Conditions:
Peutz-Jeghers syndrome (PJS). Also called: Peutz-Jeghers polyposis; Periorificial lentiginosis syndrome; POLYPOSIS, HAMARTOMATOUS INTESTINAL; POLYPS-AND-SPOTS SYNDROME. Identifiers: Orphanet 2869, MedGen C0031269, MeSH D010580, MONDO:0008280, OMIM 175200.

Allele frequency attached by ClinVar (database versions not stated): gnomAD exomes below 0.00001.
gnomAD v4.1: 1 of 1,611,196 alleles (0.000062%); highest among the groups gnomAD compares: Non-Finnish European, 0.000085%; no homozygotes.

Submissions (2):

Myriad Genetics, Inc.
Classification: Benign for Peutz-Jeghers syndrome. Last evaluated: 2025-03-28. Review status: criteria provided, single submitter. Criteria: Myriad Autosomal Dominant, Autosomal Recessive and X-Linked Classification Criteria (2023). Collection method: clinical testing. Allele origin: unknown.
Comment: This variant is considered benign. This variant is a silent/synonymous amino acid change and it is not expected to impact splicing.

Labcorp Genetics (formerly Invitae), Labcorp
Classification: Likely benign for Peutz-Jeghers syndrome. Last evaluated: 2024-03-29. Review status: criteria provided, single submitter. Criteria: Invitae Variant Classification Sherloc (09022015). Collection method: clinical testing. Allele origin: germline.